The following is an entry in ClinVar:

NM_002838.5(PTPRC):c.3400C>G (p.Pro1134Ala)

Gene: PTPRC (protein tyrosine phosphatase receptor type C; plus strand). Cytogenetic location: 1q32.1.
Variant type: single nucleotide variant.
Coding change: c.3400C>G on transcript NM_002838.5 (MANE Select); coding-DNA position 3400, C replaced by G.
Protein change: p.Pro1134Ala; replaces proline 1134 with alanine.
Molecular consequence: missense variant.
Genome position (GRCh38, 1-based): chr1:198,752,663, C>G. VCF-style: chr1-198752663-C-G. GRCh37 (hg19) VCF-style: chr1-198721792-C-G.
Other names: c.2917C>G, p.Pro973Ala (NM_080921.4); short protein forms P1134A, P973A.
Identifiers: ClinVar variation 955022 (VCV000955022.10), dbSNP rs1655438382, ClinGen allele CA344054701.

ClinVar aggregate classification (germline): Uncertain significance (1 of 4 stars; one submission).

Conditions:
Immunodeficiency 104. Also called: Severe combined immunodeficiency, autosomal recessive, T cell-negative, B cell-positive, NK cell-positive; IMMUNODEFICIENCY 104, SEVERE COMBINED; SCID, AUTOSOMAL RECESSIVE, T CELL-NEGATIVE, B CELL-POSITIVE, NK CELL-POSITIVE; Severe Combined Immune Deficiency, Autosomal Recessive, TCell -Negative, B Cell-Positive, NK Cell-Positive, IL7R-Related. Identifiers: MedGen C5676890, MONDO:0012163, OMIM 608971.

Allele frequency attached by ClinVar (database versions not stated): gnomAD exomes 0.00001.
gnomAD v4.1: 7 of 1,612,716 alleles (0.00043%); highest among the groups gnomAD compares: Non-Finnish European, 0.00059%; no homozygotes.

Submission:

Labcorp Genetics (formerly Invitae), Labcorp
Classification: Uncertain significance for Immunodeficiency 104. Last evaluated: 2019-08-18. Review status: criteria provided, single submitter. Criteria: Invitae Variant Classification Sherloc (09022015). Collection method: clinical testing. Allele origin: germline.
Comment: This sequence change replaces proline with alanine at codon 1134 of the PTPRC protein (p.Pro1134Ala). The proline residue is highly conserved and there is a small physicochemical difference between proline and alanine. This variant is not present in population databases (ExAC no frequency). This variant has not been reported in the literature in individuals with PTPRC-related conditions. In summary, the available evidence is currently insufficient to determine the role of this variant in disease. Therefore, it has been classified as a Variant of Uncertain Significance. Algorithms developed to predict the effect of missense changes on protein structure and function output the following: SIFT: "Deleterious"; PolyPhen-2: "Possibly Damaging"; Align-GVGD: "Class C25". The alanine amino acid residue is found in multiple mammalian species, suggesting that this missense change does not adversely affect protein function. These predictions have not been confirmed by published functional studies and their clinical significance is uncertain.